The following is an entry in ClinVar:

NM_000287.4(PEX6):c.1688+1G>A

Gene: PEX6 (peroxisomal biogenesis factor 6; minus strand). Cytogenetic location: 6p21.1.
Variant type: single nucleotide variant.
Coding change: c.1688+1G>A on transcript NM_000287.4 (MANE Select); the canonical splice donor site of the intron after coding-DNA position 1688, G replaced by A.
Molecular consequence: splice donor variant.
Genome position (GRCh38, 1-based): chr6:42,968,289, C>T on the plus strand (G>A on the coding strand, the complement: PEX6 is on the minus strand). VCF-style: chr6-42968289-C-T. GRCh37 (hg19) VCF-style: chr6-42936027-C-T.
Other names: IVS7, G-A, +1; c.1424+1G>A (NM_001316313.2).
Identifiers: ClinVar variation 8123 (VCV000008123.7), dbSNP rs112298166, ClinGen allele CA138225415.
Genomic context (GRCh38, chr6:42,968,289, plus strand): 5'-TGTGAGCCACCGCGCCCAGCCGGCCCCCCCAGCTTTGAGAGGCCCAGCTCTGTATAAGTA[C>T]CTGTTGAGGGGGTCCTCATTGAGGAGGAGGTGACGCAGCACAGCCATCACACGGGCATCC-3'

ClinVar aggregate classification (germline): Pathogenic. Review status: criteria provided, multiple submitters, no conflicts (2 of 4 stars). 3 submissions from 3 submitters: Pathogenic (2). 1 of the submissions does not count toward it. Last evaluated 2025-04-21.

Conditions:
Peroxisome biogenesis disorder. Identifiers: Orphanet 79189, MedGen C1832200, MONDO:0019234. Disease mechanism: loss of function.
Peroxisome biogenesis disorder 4A (Zellweger) (PBD4A). Also called: Zellweger syndrome spectrum (PEX6-related). Identifiers: Orphanet 912, MedGen C3553936, MONDO:0013930, OMIM 614862. Disease mechanism: loss of function.
Heimler syndrome 2 (HMLR2). Also called: PEROXISOME BIOGENESIS DISORDER 4C. Identifiers: Orphanet 3220, MedGen C4225267, OMIM 616617, MONDO:0014709.

Submissions (3):

Labcorp Genetics (formerly Invitae), Labcorp
Classification: Pathogenic for Peroxisome biogenesis disorder. Last evaluated: 2025-04-21. Review status: criteria provided, single submitter. Criteria: Invitae Variant Classification Sherloc (09022015). Collection method: clinical testing. Allele origin: germline.
Comment: This sequence change affects a donor splice site in intron 7 of the PEX6 gene. RNA analysis indicates that disruption of this splice site induces altered splicing and may result in an absent or altered protein product. This variant is not present in population databases (gnomAD no frequency). Disruption of this splice site has been observed in individual(s) with PEX6-related conditions (PMID: 10408779, 19877282). ClinVar contains an entry for this variant (Variation ID: 8123). Studies have shown that disruption of this splice site results in skipping of either exon 7 or both exons 6 and 7, and produces a non-functional protein and/or introduces a premature termination codon (PMID: 10408779). For these reasons, this variant has been classified as Pathogenic.

Baylor Genetics
Classification: Pathogenic for Heimler syndrome 2. Last evaluated: 2023-02-26. Review status: criteria provided, single submitter. Criteria: ACMG Guidelines, 2015. Collection method: clinical testing. Allele origin: unknown.

OMIM
Classification: Pathogenic for PEROXISOME BIOGENESIS DISORDER 4A (ZELLWEGER). Last evaluated: 1999-01-01. Review status: no assertion criteria provided. Collection method: literature only. Allele origin: germline. Not counted in ClinVar's aggregate classification.

Literature cited by the submitters: PubMed 10408779 (cited by Labcorp Genetics (formerly Invitae), Labcorp and OMIM); PubMed 19877282 (cited by Labcorp Genetics (formerly Invitae), Labcorp).